The following is an entry in ClinVar:

NM_001292063.2(OTOG):c.7209C>T (p.Ser2403=)

Gene: OTOG (otogelin; plus strand). Cytogenetic location: 11p15.1.
Variant type: single nucleotide variant.
Coding change: c.7209C>T on transcript NM_001292063.2 (MANE Select); coding-DNA position 7209, C replaced by T.
Protein change: p.Ser2403=; no amino-acid change (serine 2403 retained).
Molecular consequence: synonymous variant.
Genome position (GRCh38, 1-based): chr11:17,633,816, C>T. VCF-style: chr11-17633816-C-T. GRCh37 (hg19) VCF-style: chr11-17655363-C-T.
Other names: c.7245C>T, p.Ser2415= (NM_001277269.2).
Identifiers: ClinVar variation 666736 (VCV000666736.38), dbSNP rs56236649, ClinGen allele CA5906109.
Genomic context (GRCh38, chr11:17,633,816, plus strand): 5'-GATACTAGGGCCTCTGGACCCAGAGCACTGCCAGGTGCTGGGCGAGGGCTGCGTCTGCTC[C>T]GAGGGCACCATCTTACACCGGCGCCACTCTGCACTCTGCATCCCGGAGGCCAAGTGCGGT-3'
Protein context (NP_001278992.1, residues 2393-2413): CQVLGEGCVC[Ser2403=]EGTILHRRHS

ClinVar aggregate classification (germline): Benign/Likely benign. Review status: criteria provided, multiple submitters, no conflicts (2 of 4 stars). 6 submissions from 6 submitters: Benign (1); Likely benign (5). Last evaluated 2026-09-01.

Conditions:
OTOG-related disorder. Also called: OTOG-related condition.

Allele frequency attached by ClinVar (database versions not stated): 1000 Genomes Project 0.00020; 1000 Genomes Project 30x 0.00031; ExAC 0.00036; TOPMed 0.00039; gnomAD 0.00048 and 0.00050.
gnomAD v4.1: 723 of 1,550,180 alleles (0.047%); highest among the groups gnomAD compares: Non-Finnish European, 0.056%; no homozygotes.

Submissions (6):

CeGaT Center for Human Genetics Tuebingen
Classification: Likely benign. Last evaluated: 2026-09-01. Review status: criteria provided, single submitter. Criteria: CeGaT Center For Human Genetics Tuebingen Variant Classification Criteria Version 2. Collection method: clinical testing. Allele origin: germline. Affected: yes. Observed: 2 variant alleles.
Comment: OTOG: BP4, BP7

Labcorp Genetics (formerly Invitae), Labcorp
Classification: Likely benign. Last evaluated: 2025-11-10. Review status: criteria provided, single submitter. Criteria: Invitae Variant Classification Sherloc (09022015). Collection method: clinical testing. Allele origin: germline.

PreventionGenetics, part of Exact Sciences
Classification: Likely benign for OTOG-related condition. Last evaluated: 2024-12-09. Review status: criteria provided, single submitter. Criteria: ACMG Guidelines, 2015. Collection method: clinical testing. Allele origin: germline.
Comment: This variant is classified as likely benign based on ACMG/AMP sequence variant interpretation guidelines (Richards et al. 2015 PMID: 25741868, with internal and published modifications).

Blueprint Genetics
Classification: Benign. Last evaluated: 2024-10-25. Review status: criteria provided, single submitter. Criteria: ACMG Guidelines, 2015. Collection method: clinical testing. Allele origin: germline.

GeneDx
Classification: Likely benign. Last evaluated: 2020-09-09. Review status: criteria provided, single submitter. Criteria: GeneDx Variant Classification Process June 2021. Collection method: clinical testing. Allele origin: germline. Affected: yes.

Laboratory for Molecular Medicine, Mass General Brigham Personalized Medicine
Classification: Likely benign. Last evaluated: 2017-08-23. Review status: criteria provided, single submitter. Criteria: LMM Criteria. Collection method: clinical testing. Allele origin: germline. Observed: 1 variant allele.
Comment: p.Ser2415Ser in exon 42 of OTOG: This variant is not expected to have clinical s ignificance because it does not alter an amino acid residue and is not located w ithin the splice consensus sequence. It has been identified in 0.04% (2/4788) of European chromosomes by the Exome Aggregation Consortium (ExAC; dbSNP rs56236649).